The following is an entry in ClinVar:

ClinVar aggregate classification (germline): Uncertain significance. Review status: criteria provided, multiple submitters, no conflicts (2 of 4 stars). 2 submissions from 2 submitters: Uncertain significance (2). Last evaluated 2025-11-03.

Conditions:
Inborn genetic diseases. Identifiers: MedGen C0950123, MeSH D030342.

Allele frequency attached by ClinVar (database versions not stated): gnomAD 0.00001; ExAC 0.00002; TOPMed 0.00003.
gnomAD v4.1: 7 of 1,614,064 alleles (0.00043%); highest among the groups gnomAD compares: Non-Finnish European, 0.00059%; no homozygotes.

Submissions (2):

Labcorp Genetics (formerly Invitae), Labcorp
Classification: Uncertain significance. Last evaluated: 2025-11-03. Review status: criteria provided, single submitter. Criteria: Invitae Variant Classification Sherloc (09022015). Collection method: clinical testing. Allele origin: germline.
Comment: This sequence change replaces threonine, which is neutral and polar, with lysine, which is basic and polar, at codon 86 of the PHF21A protein (p.Thr86Lys). This variant is present in population databases (rs764584691, gnomAD 0.003%). This variant has not been reported in the literature in individuals affected with PHF21A-related conditions. ClinVar contains an entry for this variant (Variation ID: 3212140). Invitae Evidence Modeling of protein sequence and biophysical properties (such as structural, functional, and spatial information, amino acid conservation, physicochemical variation, residue mobility, and thermodynamic stability) indicates that this missense variant is not expected to disrupt PHF21A protein function with a negative predictive value of 80%. In summary, the available evidence is currently insufficient to determine the role of this variant in disease. Therefore, it has been classified as a Variant of Uncertain Significance.

Ambry Genetics
Classification: Uncertain significance for Inborn genetic diseases. Last evaluated: 2023-12-14. Review status: criteria provided, single submitter. Criteria: Ambry Variant Classification Scheme 2023. Collection method: clinical testing. Allele origin: germline.

NM_001352027.3(PHF21A):c.257C>A (p.Thr86Lys)

Gene: PHF21A (PHD finger protein 21A; minus strand). Cytogenetic location: 11p11.2.
Variant type: single nucleotide variant.
Coding change: c.257C>A on transcript NM_001352027.3 (MANE Select); coding-DNA position 257, C replaced by A.
Protein change: p.Thr86Lys; replaces threonine 86 with lysine.
Molecular consequence: missense variant. On other transcripts: non-coding transcript variant (2).
Genome position (GRCh38, 1-based): chr11:45,979,863, G>T on the plus strand (C>A on the coding strand, the complement: PHF21A is on the minus strand). VCF-style: chr11-45979863-G-T. GRCh37 (hg19) VCF-style: chr11-46001414-G-T.
Other names: c.257C>A, p.Thr86Lys (NM_001101802.3, NM_001352025.3, NM_001352026.3 and 6 more transcripts); short protein forms T86K.
Identifiers: ClinVar variation 3212140 (VCV003212140.2), dbSNP rs764584691, ClinGen allele CA5961386.